The following is an entry in ClinVar:

NM_006118.4(HAX1):c.463C>T (p.Gln155Ter)

Gene: HAX1 (HCLS1 associated protein X-1; plus strand). Cytogenetic location: 1q21.3.
Variant type: single nucleotide variant.
Coding change: c.463C>T on transcript NM_006118.4 (MANE Select); coding-DNA position 463, C replaced by T.
Protein change: p.Gln155Ter; replaces glutamine 155 with a stop codon.
Molecular consequence: nonsense.
Genome position (GRCh38, 1-based): chr1:154,273,920, C>T. VCF-style: chr1-154273920-C-T. GRCh37 (hg19) VCF-style: chr1-154246396-C-T.
Other names: c.319C>T, p.Gln107Ter (NM_001018837.2); short protein forms Q107*, Q155*.
Identifiers: ClinVar variation 4069034 (VCV004069034.2).

ClinVar aggregate classification (germline): Likely pathogenic (1 of 4 stars; one submission).

Conditions:
Kostmann syndrome (SCN3). Also called: Autosomal recessive severe congenital neutropenia type 3; KOSTMANN DISEASE. Identifiers: Orphanet 99749, MedGen C5235141, MONDO:0012548, OMIM 610738.

gnomAD v4.1: 1 of 1,614,110 alleles (0.000062%); highest among the groups gnomAD compares: South Asian, 0.0011%; no homozygotes.

Submission:

Natera, Inc.
Classification: Likely pathogenic for Autosomal recessive severe congenital neutropenia type 3. Last evaluated: 2025-03-05. Review status: criteria provided, single submitter. Criteria: Natera Variant Classification Schema (03/2026). Collection method: clinical testing. Allele origin: germline.
Comment: The c.463C>T variant in HAX1 is a nonsense variant predicted to introduce a stop codon at amino acid 155. This variant is expected to result in nonsense mediated decay, truncation, or a dysfunctional protein product. This variant is rare in the general population with a frequency below the threshold expected for the associated phenotype(s). Given the available evidence, this variant is classified as Likely Pathogenic.